The following is an entry in ClinVar:

NM_000642.3(AGL):c.2942T>C (p.Ile981Thr)

Gene: AGL (amylo-alpha-1,6-glucosidase and 4-alpha-glucanotransferase; plus strand). Cytogenetic location: 1p21.2.
Variant type: single nucleotide variant.
Coding change: c.2942T>C on transcript NM_000642.3 (MANE Select); coding-DNA position 2942, T replaced by C.
Protein change: p.Ile981Thr; replaces isoleucine 981 with threonine.
Molecular consequence: missense variant.
Genome position (GRCh38, 1-based): chr1:99,891,349, T>C. VCF-style: chr1-99891349-T-C. GRCh37 (hg19) VCF-style: chr1-100356905-T-C.
Other names: c.2942T>C, p.Ile981Thr (NM_000028.3, NM_000643.3, NM_000644.3 and 1 more transcripts); c.2894T>C, p.Ile965Thr (NM_000646.3); c.2921T>C, p.Ile974Thr (NM_001425326.1); c.2741T>C, p.Ile914Thr (NM_001425327.1); c.2738T>C, p.Ile913Thr (NM_001425328.1); c.2603T>C, p.Ile868Thr (NM_001425329.1); c.2564T>C, p.Ile855Thr (NM_001425332.1); short protein forms I965T, I981T, I855T, I868T, I913T, I914T, I974T.
Identifiers: ClinVar variation 962883 (VCV000962883.12), dbSNP rs138333678, ClinGen allele CA27526484.
Genomic context (GRCh38, chr1:99,891,349, plus strand): 5'-GATCTGGAGATTGGATGATTGACTATGTCAGTAACCGGCTTATTTCACGATCAGGAACTA[T>C]TGCTGAAGTAAGTAGAGCTATATTATCGTCCCAAAAAATCAAGGACATAATAATAAATAT-3'
Protein context (NP_000633.2, residues 971-991): SNRLISRSGT[Ile981Thr]AEVGKWLQAM

ClinVar aggregate classification (germline): Uncertain significance. Review status: criteria provided, single submitter (1 of 4 stars). 2 submissions from 2 submitters: Uncertain significance (1). 1 of the submissions does not count toward it. Last evaluated 2022-03-26.

Conditions:
Glycogen storage disease type III (GSD3). Also called: Cori disease; FORBES DISEASE. Identifiers: Orphanet 366, MedGen C0017922, MONDO:0009291, OMIM 232400.

Allele frequency attached by ClinVar (database versions not stated): gnomAD exomes below 0.00001; gnomAD 0.00001; TOPMed 0.00001; ESP Exome Variant Server 0.00008.
gnomAD v4.1: 5 of 1,613,538 alleles (0.00031%); highest among the groups gnomAD compares: Middle Eastern, 0.016%; no homozygotes.

Submissions (2):

Labcorp Genetics (formerly Invitae), Labcorp
Classification: Uncertain significance for Glycogen storage disease type III. Last evaluated: 2022-03-26. Review status: criteria provided, single submitter. Criteria: Invitae Variant Classification Sherloc (09022015). Collection method: clinical testing. Allele origin: germline.
Comment: This sequence change replaces isoleucine, which is neutral and non-polar, with threonine, which is neutral and polar, at codon 981 of the AGL protein (p.Ile981Thr). In summary, the available evidence is currently insufficient to determine the role of this variant in disease. Therefore, it has been classified as a Variant of Uncertain Significance. Algorithms developed to predict the effect of missense changes on protein structure and function are either unavailable or do not agree on the potential impact of this missense change (SIFT: "Deleterious"; PolyPhen-2: "Benign"; Align-GVGD: "Class C0"). ClinVar contains an entry for this variant (Variation ID: 962883). This variant has not been reported in the literature in individuals affected with AGL-related conditions. This variant is not present in population databases (gnomAD no frequency).

Natera, Inc.
Classification: Uncertain significance for Glycogen storage disease type III. Last evaluated: 2020-02-26. Review status: no assertion criteria provided. Collection method: clinical testing. Allele origin: germline. Not counted in ClinVar's aggregate classification.